The following is an entry in ClinVar:

NM_004104.5(FASN):c.6016A>G (p.Thr2006Ala)

Gene: FASN (fatty acid synthase; minus strand). Cytogenetic location: 17q25.3.
Variant type: single nucleotide variant.
Coding change: c.6016A>G on transcript NM_004104.5 (MANE Select); coding-DNA position 6016, A replaced by G.
Protein change: p.Thr2006Ala; replaces threonine 2006 with alanine.
Molecular consequence: missense variant.
Genome position (GRCh38, 1-based): chr17:82,082,156, T>C on the plus strand (A>G on the coding strand, the complement: FASN is on the minus strand). VCF-style: chr17-82082156-T-C. GRCh37 (hg19) VCF-style: chr17-80040032-T-C.
Other names: c.6016A>G (NM_004104.4); short protein forms T2006A.
Identifiers: ClinVar variation 2798674 (VCV002798674.4), dbSNP rs1435500156, ClinGen allele CA401534598.

ClinVar aggregate classification (germline): Uncertain significance. Review status: criteria provided, multiple submitters, no conflicts (2 of 4 stars). 2 submissions from 2 submitters: Uncertain significance (2). Last evaluated 2024-07-14.

Conditions:
Epileptic encephalopathy. Identifiers: MedGen C0543888, HP:0200134.

Allele frequency attached by ClinVar (database versions not stated): gnomAD exomes 0.00001.
gnomAD v4.1: 4 of 1,603,010 alleles (0.00025%); highest among the groups gnomAD compares: African/African-American, 0.0053%; no homozygotes.

Submissions (2):

Ambry Genetics
Classification: Uncertain significance. Last evaluated: 2024-07-14. Review status: criteria provided, single submitter. Criteria: Ambry Variant Classification Scheme 2023. Collection method: clinical testing. Allele origin: germline.

Labcorp Genetics (formerly Invitae), Labcorp
Classification: Uncertain significance for Epileptic encephalopathy. Last evaluated: 2023-02-14. Review status: criteria provided, single submitter. Criteria: Invitae Variant Classification Sherloc (09022015). Collection method: clinical testing. Allele origin: germline.
Comment: This sequence change replaces threonine, which is neutral and polar, with alanine, which is neutral and non-polar, at codon 2006 of the FASN protein (p.Thr2006Ala). This variant is present in population databases (no rsID available, gnomAD 0.02%). This variant has not been reported in the literature in individuals affected with FASN-related conditions. An algorithm developed to predict the effect of missense changes on protein structure and function (PolyPhen-2) suggests that this variant is likely to be disruptive. In summary, the available evidence is currently insufficient to determine the role of this variant in disease. Therefore, it has been classified as a Variant of Uncertain Significance.